The following is an entry in ClinVar:

ClinVar aggregate classification (germline): Uncertain significance (0 of 4 stars; one submission).

Conditions:
REST-related disorder. Also called: REST-related condition.

Submission:

PreventionGenetics, part of Exact Sciences
Classification: Uncertain significance for REST-related condition. Last evaluated: 2024-01-04. Review status: no assertion criteria provided. Collection method: clinical testing. Allele origin: germline.
Comment: The REST c.1170T>A variant is predicted to result in the amino acid substitution p.Asn390Lys. To our knowledge, this variant has not been reported in the literature or in a large population database, indicating this variant is rare. At this time, the clinical significance of this variant is uncertain due to the absence of conclusive functional and genetic evidence.

NM_005612.5(REST):c.1170T>A (p.Asn390Lys)

Gene: REST (RE1 silencing transcription factor; plus strand). Cytogenetic location: 4q12.
Variant type: single nucleotide variant.
Coding change: c.1170T>A on transcript NM_005612.5 (MANE Select); coding-DNA position 1170, T replaced by A.
Protein change: p.Asn390Lys; replaces asparagine 390 with lysine.
Molecular consequence: missense variant.
Genome position (GRCh38, 1-based): chr4:56,930,028, T>A. VCF-style: chr4-56930028-T-A. GRCh37 (hg19) VCF-style: chr4-57796194-T-A.
Other names: c.1170T>A, p.Asn390Lys (NM_001193508.2, NM_001363453.3); short protein forms N390K.
Identifiers: ClinVar variation 3044985 (VCV003044985.2), dbSNP rs765001092, ClinGen allele CA357006016.